The following is an entry in ClinVar:

NM_182493.3(MYLK3):c.2285C>T (p.Thr762Ile)

Gene: MYLK3 (myosin light chain kinase 3; minus strand). Cytogenetic location: 16q11.2.
Variant type: single nucleotide variant.
Coding change: c.2285C>T on transcript NM_182493.3 (MANE Select); coding-DNA position 2285, C replaced by T.
Protein change: p.Thr762Ile; replaces threonine 762 with isoleucine.
Molecular consequence: missense variant.
Genome position (GRCh38, 1-based): chr16:46,709,654, G>A on the plus strand (C>T on the coding strand, the complement: MYLK3 is on the minus strand). VCF-style: chr16-46709654-G-A. GRCh37 (hg19) VCF-style: chr16-46743566-G-A.
Other names: c.1262C>T, p.Thr421Ile (NM_001308301.1); short protein forms T421I, T762I.
Identifiers: ClinVar variation 2303063 (VCV002303063.5), dbSNP rs1429320327, ClinGen allele CA395786154.

ClinVar aggregate classification (germline): Uncertain significance. Review status: criteria provided, multiple submitters, no conflicts (2 of 4 stars). 2 submissions from 2 submitters: Uncertain significance (2). Last evaluated 2023-11-24.

Allele frequency attached by ClinVar (database versions not stated): gnomAD exomes below 0.00001.
gnomAD v4.1: 3 of 1,612,798 alleles (0.00019%); highest among the groups gnomAD compares: Non-Finnish European, 0.00025%; no homozygotes.

Submissions (2):

Labcorp Genetics (formerly Invitae), Labcorp
Classification: Uncertain significance. Last evaluated: 2023-11-24. Review status: criteria provided, single submitter. Criteria: Invitae Variant Classification Sherloc (09022015). Collection method: clinical testing. Allele origin: germline.
Comment: This sequence change replaces threonine, which is neutral and polar, with isoleucine, which is neutral and non-polar, at codon 762 of the MYLK3 protein (p.Thr762Ile). This variant is present in population databases (no rsID available, gnomAD 0.0009%). This variant has not been reported in the literature in individuals affected with MYLK3-related conditions. ClinVar contains an entry for this variant (Variation ID: 2303063). An algorithm developed to predict the effect of missense changes on protein structure and function (PolyPhen-2) suggests that this variant is likely to be disruptive. In summary, the available evidence is currently insufficient to determine the role of this variant in disease. Therefore, it has been classified as a Variant of Uncertain Significance.

Ambry Genetics
Classification: Uncertain significance. Last evaluated: 2022-07-26. Review status: criteria provided, single submitter. Criteria: Ambry Variant Classification Scheme 2023. Collection method: clinical testing. Allele origin: germline.